The following is an entry in ClinVar:

ClinVar aggregate classification (germline): Pathogenic (1 of 4 stars; one submission).

Conditions:
Congenital myasthenic syndrome 5. Identifiers: Orphanet 590, MedGen C1864233, MONDO:0011281, OMIM 603034.

Allele frequency attached by ClinVar (database versions not stated): TOPMed 0.00001.

Submission:

Labcorp Genetics (formerly Invitae), Labcorp
Classification: Pathogenic for Congenital myasthenic syndrome 5. Last evaluated: 2019-08-21. Review status: criteria provided, single submitter. Criteria: Invitae Variant Classification Sherloc (09022015). Collection method: clinical testing. Allele origin: germline.
Comment: This sequence change results in a premature translational stop signal in the COLQ gene (p.Cys427*). While this is not anticipated to result in nonsense mediated decay, it is expected to disrupt the last 29 amino acids of the COLQ protein. This variant is not present in population databases (ExAC no frequency). This variant has been observed in individual(s) with clinical features of congenital myasthenic syndrome (Invitae). In at least one individual the data is consistent with the variant being in trans (on the opposite chromosome) from a pathogenic variant. This variant disrupts the p.Thr441 amino acid residue in COLQ. Other variant(s) that disrupt this residue have been determined to be pathogenic (PMID: 15248101, 18180250, 22678886). This suggests that this residue is clinically significant, and that variants that disrupt this residue are likely to be disease-causing. For these reasons, this variant has been classified as Pathogenic.

Literature cited by the submitters: PubMed 15248101; PubMed 18180250; PubMed 22678886.

NM_005677.4(COLQ):c.1281C>A (p.Cys427Ter)

Gene: COLQ (collagen like tail subunit of asymmetric acetylcholinesterase; minus strand). Cytogenetic location: 3p25.1.
Variant type: single nucleotide variant.
Coding change: c.1281C>A on transcript NM_005677.4 (MANE Select); coding-DNA position 1281, C replaced by A.
Protein change: p.Cys427Ter; replaces cysteine 427 with a stop codon.
Molecular consequence: nonsense.
Genome position (GRCh38, 1-based): chr3:15,453,846, G>T on the plus strand (C>A on the coding strand, the complement: COLQ is on the minus strand). VCF-style: chr3-15453846-G-T. GRCh37 (hg19) VCF-style: chr3-15495353-G-T.
Other names: c.1251C>A, p.Cys417Ter (NM_080538.2); c.1179C>A, p.Cys393Ter (NM_080539.4); short protein forms C417*, C427*, C393*.
Identifiers: ClinVar variation 962241 (VCV000962241.9), dbSNP rs185829251, ClinGen allele CA351595555.